The following is an entry in ClinVar:

NM_003024.3(ITSN1):c.1597-3C>T

Gene: ITSN1 (intersectin 1; plus strand). Cytogenetic location: 21q22.11.
Variant type: single nucleotide variant.
Coding change: c.1597-3C>T on transcript NM_003024.3 (MANE Select); 3 bases into the intron before coding-DNA position 1597, C replaced by T.
Molecular consequence: intron variant.
Genome position (GRCh38, 1-based): chr21:33,781,458, C>T. VCF-style: chr21-33781458-C-T. GRCh37 (hg19) VCF-style: chr21-35153762-C-T.
Other names: c.1597-3C>T (NM_001331010.2, NM_001001132.2, NM_001331008.2 and 2 more transcripts); c.1486-3C>T (NM_001331012.2).
Identifiers: ClinVar variation 3061571 (VCV003061571.2), dbSNP rs746851508, ClinGen allele CA10011622.

ClinVar aggregate classification (germline): Likely benign (0 of 4 stars; one submission).

Conditions:
ITSN1-related disorder. Also called: ITSN1-related condition.

Allele frequency attached by ClinVar (database versions not stated): ExAC 0.00001; gnomAD 0.00001; TOPMed 0.00002.
gnomAD v4.1: 45 of 1,551,036 alleles (0.0029%); highest among the groups gnomAD compares: Non-Finnish European, 0.0036%; no homozygotes.

Submission:

PreventionGenetics, part of Exact Sciences
Classification: Likely benign for ITSN1-related condition. Last evaluated: 2021-12-15. Review status: no assertion criteria provided. Collection method: clinical testing. Allele origin: germline.
Comment: This variant is classified as likely benign based on ACMG/AMP sequence variant interpretation guidelines (Richards et al. 2015 PMID: 25741868, with internal and published modifications).